The following is an entry in ClinVar:

ClinVar aggregate classification (germline): Uncertain significance (1 of 4 stars; one submission).

Submission:

Women's Health and Genetics/Laboratory Corporation of America, LabCorp
Classification: Uncertain significance. Last evaluated: 2024-04-18. Review status: criteria provided, single submitter. Criteria: LabCorp Variant Classification Summary - May 2015. Collection method: clinical testing. Allele origin: germline.
Comment: Variant summary: SYNE2 c.2031delA (p.Lys677AsnfsX30) results in a premature termination codon, predicted to cause a truncation of the encoded protein or absence of the protein due to nonsense mediated decay, however the molecular mechanism of disease attributed to SYNE2 is currently unknown. The variant was absent in 249102 control chromosomes. The available data on variant occurrences in the general population are insufficient to allow any conclusion about variant significance. To our knowledge, no occurrence of c.2031delA in individuals affected with Emery-Dreifuss Muscular Dystrophy 5, Autosomal Dominant and no experimental evidence demonstrating its impact on protein function have been reported. No submitters have cited clinical-significance assessments for this variant to ClinVar. Based on the evidence outlined above, the variant was classified as uncertain significance.

NM_182914.3(SYNE2):c.2031del (p.Lys677fs)

Gene: SYNE2 (spectrin repeat containing nuclear envelope protein 2; plus strand). Cytogenetic location: 14q23.2.
Variant type: Deletion.
Coding change: c.2031del on transcript NM_182914.3 (MANE Select); coding-DNA position 2031, one base deleted (A; older notation c.2031delA).
Protein change: p.Lys677fs; shifts the reading frame from lysine 677.
Molecular consequence: frameshift variant.
Genome position (GRCh38, 1-based): chr14:63,983,766, A deleted; the last of 7 consecutive A bases (chr14:63,983,760-63,983,766); deleting any one gives the same sequence. VCF-style (leftmost placement, unchanged base first): chr14-63983759-TA-T. GRCh37 (hg19) VCF-style: chr14-64450477-TA-T.
Other names: c.2031del, p.Lys677fs (NM_015180.6); c.2031delA (NM_182914.3); short protein forms K677fs.
Identifiers: ClinVar variation 3251892 (VCV003251892.1), dbSNP rs750736888.